The following is an entry in ClinVar:

NM_021615.5(CHST6):c.*377G>A

Gene: CHST6 (carbohydrate sulfotransferase 6; minus strand). Cytogenetic location: 16q23.1.
Variant type: single nucleotide variant.
Coding change: c.*377G>A on transcript NM_021615.5 (MANE Select); 377 bases downstream of the stop codon, G replaced by A.
Molecular consequence: 3 prime UTR variant.
Genome position (GRCh38, 1-based): chr16:75,478,264, C>T on the plus strand (G>A on the coding strand, the complement: CHST6 is on the minus strand). VCF-style: chr16-75478264-C-T. GRCh37 (hg19) VCF-style: chr16-75512162-C-T.
Identifiers: ClinVar variation 320595 (VCV000320595.6), dbSNP rs138647317, ClinGen allele CA10644302.

ClinVar aggregate classification (germline): Benign. Review status: criteria provided, multiple submitters, no conflicts (2 of 4 stars). 2 submissions from 2 submitters: Benign (2). Last evaluated 2018-01-12.

Conditions:
Macular corneal dystrophy (MCD). Also called: GROENOUW TYPE II CORNEAL DYSTROPHY; Macular corneal dystrophy Type I. Identifiers: Orphanet 98969, MedGen C1636149, MONDO:0009020, OMIM 217800.

Allele frequency attached by ClinVar (database versions not stated): gnomAD 0.01173; TOPMed 0.02054; 1000 Genomes Project 0.02336; 1000 Genomes Project 30x 0.02498.

Submissions (2):

Illumina Laboratory Services, Illumina
Classification: Benign for Macular corneal dystrophy. Last evaluated: 2018-01-12. Review status: criteria provided, single submitter. Criteria: ICSL Variant Classification Criteria 13 December 2019. Collection method: clinical testing. Allele origin: germline.
Comment: This variant was observed in the ICSL laboratory as part of a predisposition screen in an ostensibly healthy population. It had not been previously curated by ICSL or reported in the Human Gene Mutation Database (HGMD: prior to June 1st, 2018), and was therefore a candidate for classification through an automated scoring system. Utilizing variant allele frequency, disease prevalence and penetrance estimates, and inheritance mode, an automated score was calculated to assess if this variant is too frequent to cause the disease. Based on the score and internal cut-off values, a variant classified as benign is not then subjected to further curation. The score for this variant resulted in a classification of benign for this disease.

Breakthrough Genomics
Classification: Benign. Review status: criteria provided, single submitter. Criteria: ACMG Guidelines, 2015. Collection method: not provided. Allele origin: germline. Inheritance: Autosomal recessive inheritance. Affected: yes.